The following is an entry in ClinVar:

NM_004260.4(RECQL4):c.2894C>G (p.Pro965Arg)

Gene: RECQL4 (RecQ like helicase 4; minus strand). Cytogenetic location: 8q24.3.
Variant type: single nucleotide variant.
Coding change: c.2894C>G on transcript NM_004260.4 (MANE Select); coding-DNA position 2894, C replaced by G.
Protein change: p.Pro965Arg; replaces proline 965 with arginine.
Molecular consequence: missense variant.
Genome position (GRCh38, 1-based): chr8:144,512,553, G>C on the plus strand (C>G on the coding strand, the complement: RECQL4 is on the minus strand). VCF-style: chr8-144512553-G-C. GRCh37 (hg19) VCF-style: chr8-145737936-G-C.
Other names: c.2600C>G, p.Pro867Arg (NM_001413017.1); c.2696C>G, p.Pro899Arg (NM_001413018.1); c.2969C>G, p.Pro990Arg (NM_001413019.1); c.2798C>G, p.Pro933Arg (NM_001413020.1); c.1823C>G, p.Pro608Arg (NM_001413021.1, NM_001413022.1, NM_001413024.1 and 4 more transcripts); c.1898C>G, p.Pro633Arg (NM_001413023.1); c.2765C>G, p.Pro922Arg (NM_001413025.1); c.1757C>G, p.Pro586Arg (NM_001413027.1, NM_001413030.1, NM_001413032.1); and 9 more; short protein forms P848R, P965R, P564R, P586R, P899R, P933R, P990R, P476R.
Identifiers: ClinVar variation 2003189 (VCV002003189.4), dbSNP rs766038992, ClinGen allele CA372673656.

ClinVar aggregate classification (germline): Uncertain significance (1 of 4 stars; one submission).

Conditions:
Baller-Gerold syndrome (BGS). Also called: CRANIOSYNOSTOSIS WITH RADIAL DEFECTS. Identifiers: Orphanet 1225, MedGen C0265308, MONDO:0009039, OMIM 218600.

Submission:

Labcorp Genetics (formerly Invitae), Labcorp
Classification: Uncertain significance for Baller-Gerold syndrome. Last evaluated: 2022-06-08. Review status: criteria provided, single submitter. Criteria: Invitae Variant Classification Sherloc (09022015). Collection method: clinical testing. Allele origin: germline.
Comment: In summary, the available evidence is currently insufficient to determine the role of this variant in disease. Therefore, it has been classified as a Variant of Uncertain Significance. Experimental studies and prediction algorithms are not available or were not evaluated, and the functional significance of this variant is currently unknown. This variant has not been reported in the literature in individuals affected with RECQL4-related conditions. This variant is not present in population databases (gnomAD no frequency). This sequence change replaces proline, which is neutral and non-polar, with arginine, which is basic and polar, at codon 965 of the RECQL4 protein (p.Pro965Arg).